The following is an entry in ClinVar:

ClinVar aggregate classification (germline): Uncertain significance. Review status: criteria provided, multiple submitters, no conflicts (2 of 4 stars). 3 submissions from 3 submitters: Uncertain significance (3). Last evaluated 2026-04-14.

Conditions:
Familial intrahepatic cholestasis. Identifiers: Orphanet 284385, MedGen CN296401, MONDO:0017290.
Progressive familial intrahepatic cholestasis type 2. Identifiers: Orphanet 79304, MedGen C3489789, MONDO:0011156, OMIM 601847.

gnomAD v4.1: 2 of 1,612,372 alleles (0.00012%); highest among the groups gnomAD compares: Non-Finnish European, 0.00017%; no homozygotes.

Submissions (3):

Genomenon, Inc
Classification: Uncertain significance for Familial intrahepatic cholestasis. Last evaluated: 2026-04-14. Review status: criteria provided, single submitter. Criteria: Genomenon Sequence Variant Interpretation Standards - Updated. Collection method: curation. Allele origin: germline. Affected: yes.
Comment: ABCB11 p.His615Arg (c.1844A>G) is a missense variant that changes the amino acid at residue 615 from Histidine to Arginine. This variant has been observed in at least one proband with an ABCB11-related disorder (PMID:23437912). It is absent or not present at a significant frequency in gnomAD. In silico models predict that this variant is possibly or probably damaging. In conclusion, we classify ABCB11 p.His615Arg (c.1844A>G) as a variant of uncertain significance.

Broad Center for Mendelian Genomics, Broad Institute of MIT and Harvard
Classification: Uncertain significance for Progressive familial intrahepatic cholestasis type 2. Last evaluated: 2025-01-24. Review status: criteria provided, single submitter. Criteria: ACMG Guidelines, 2015. Collection method: curation. Allele origin: germline. Inheritance: Autosomal recessive inheritance.
Comment: The p.His615Arg variant in ABCB11 has been reported in one individual with BSEP deficiency (PMID: 23437912), and has been identified in 0.0002% (2/1179138) of European (non-Finnish) chromosomes by the Genome Aggregation Database (gnomAD; dbSNP rs764682080). Although this variant has been seen in the general population in a heterozygous state, its frequency is low enough to be consistent with a recessive carrier frequency. Computational prediction tools and conservation analyses suggest that this variant may impact the protein, though this information is not predictive enough to determine pathogenicity. In summary, while there is some suspicion for a pathogenic role, the clinical significance of this variant is uncertain. ACMG/AMP Criteria applied: PP3_moderate, PM2_supporting (Richards 2015).

Women's Health and Genetics/Laboratory Corporation of America, LabCorp
Classification: Uncertain significance. Last evaluated: 2024-10-23. Review status: criteria provided, single submitter. Criteria: LabCorp Variant Classification Summary - May 2015. Collection method: clinical testing. Allele origin: germline.
Comment: Variant summary: ABCB11 c.1844A>G (p.His615Arg) results in a non-conservative amino acid change located in the ABC transporter-like, ATP-binding domain (IPR003439) of the encoded protein sequence. Five of five in-silico tools predict a damaging effect of the variant on protein function. The variant allele was found at a frequency of 4e-06 in 247584 control chromosomes (gnomAD). The available data on variant occurrences in the general population are insufficient to allow any conclusion about variant significance. c.1844A>G has been reported in the literature in at least an individual affected with progressive familial intrahepatic cholestasis (examples : Giovannoni_2015, Francalanci_2013). These data do not allow any conclusion about variant significance. To our knowledge, no experimental evidence demonstrating an impact on protein function has been reported. The following publications have been ascertained in the context of this evaluation (PMID: 23437912, 26678486). No submitters have cited clinical-significance assessments for this variant to ClinVar. Based on the evidence outlined above, the variant was classified as uncertain significance.

Literature cited by the submitters: PubMed 23437912 (cited by Genomenon, Inc and Women's Health and Genetics/Laboratory Corporation of America, LabCorp); PubMed 26678486 (cited by Women's Health and Genetics/Laboratory Corporation of America, LabCorp).

NM_003742.4(ABCB11):c.1844A>G (p.His615Arg)

Gene: ABCB11 (ATP binding cassette subfamily B member 11; minus strand). Cytogenetic location: 2q31.1.
Variant type: single nucleotide variant.
Coding change: c.1844A>G on transcript NM_003742.4 (MANE Select); coding-DNA position 1844, A replaced by G.
Protein change: p.His615Arg; replaces histidine 615 with arginine.
Molecular consequence: missense variant.
Genome position (GRCh38, 1-based): chr2:168,969,517, T>C on the plus strand (A>G on the coding strand, the complement: ABCB11 is on the minus strand). VCF-style: chr2-168969517-T-C. GRCh37 (hg19) VCF-style: chr2-169826027-T-C.
Other names: short protein forms H615R.
Identifiers: ClinVar variation 3385123 (VCV003385123.3).
Genomic context (GRCh38, chr2:168,969,517, plus strand): 5'-ACTGCAGTGCCATGTTCAAAACCAATGATGGTATCTGCAGCTCTGACCGTAGACAAGCGA[T>C]GAGCAACTGAAATGATTGTGTGCCCATGCTGAATCTGTAAGAATGTACAGTGCACCATTA-3'
Protein context (NP_003733.2, residues 605-625): QHGHTIISVA[His615Arg]RLSTVRAADT